The following is an entry in ClinVar:

ClinVar aggregate classification (germline): Uncertain significance. Review status: criteria provided, multiple submitters, no conflicts (2 of 4 stars). 2 submissions from 2 submitters: Uncertain significance (2). Last evaluated 2024-02-05.

Conditions:
Inborn genetic diseases. Identifiers: MedGen C0950123, MeSH D030342.

Allele frequency attached by ClinVar (database versions not stated): gnomAD exomes below 0.00001.
gnomAD v4.1: 4 of 1,542,286 alleles (0.00026%); highest among the groups gnomAD compares: East Asian, 0.0071%; no homozygotes.

Submissions (2):

Ambry Genetics
Classification: Uncertain significance for Inborn genetic diseases. Last evaluated: 2024-02-05. Review status: criteria provided, single submitter. Criteria: Ambry Variant Classification Scheme 2023. Collection method: clinical testing. Allele origin: germline.

Labcorp Genetics (formerly Invitae), Labcorp
Classification: Uncertain significance. Last evaluated: 2021-12-22. Review status: criteria provided, single submitter. Criteria: Invitae Variant Classification Sherloc (09022015). Collection method: clinical testing. Allele origin: germline.
Comment: Algorithms developed to predict the effect of missense changes on protein structure and function (SIFT, PolyPhen-2, Align-GVGD) all suggest that this variant is likely to be disruptive. This sequence change replaces proline, which is neutral and non-polar, with leucine, which is neutral and non-polar, at codon 361 of the TMTC3 protein (p.Pro361Leu). This variant is present in population databases (no rsID available, gnomAD 0.01%). This variant has not been reported in the literature in individuals affected with TMTC3-related conditions. In summary, the available evidence is currently insufficient to determine the role of this variant in disease. Therefore, it has been classified as a Variant of Uncertain Significance.

NM_181783.4(TMTC3):c.1082C>T (p.Pro361Leu)

Gene: TMTC3 (transmembrane O-mannosyltransferase targeting cadherins 3; plus strand). Cytogenetic location: 12q21.32.
Variant type: single nucleotide variant.
Coding change: c.1082C>T on transcript NM_181783.4 (MANE Select); coding-DNA position 1082, C replaced by T.
Protein change: p.Pro361Leu; replaces proline 361 with leucine.
Molecular consequence: missense variant. On other transcripts: non-coding transcript variant (1).
Genome position (GRCh38, 1-based): chr12:88,172,628, C>T. VCF-style: chr12-88172628-C-T. GRCh37 (hg19) VCF-style: chr12-88566405-C-T.
Other names: c.902C>T, p.Pro301Leu (NM_001366574.1); c.863C>T, p.Pro288Leu (NM_001366579.1); c.815C>T, p.Pro272Leu (NM_001366580.1); c.389C>T, p.Pro130Leu (NM_001366583.1); c.1082C>T (NM_181783.3); short protein forms P130L, P361L, P272L, P288L, P301L.
Identifiers: ClinVar variation 2053224 (VCV002053224.5), dbSNP rs1373060783, ClinGen allele CA386114276.